The following is an entry in ClinVar:

NM_001009944.3(PKD1):c.3401_3404del (p.Ser1134fs)

Gene: PKD1 (polycystin 1, transient receptor potential channel interacting; minus strand). Cytogenetic location: 16p13.3.
Variant type: Microsatellite.
Coding change: c.3401_3404del on transcript NM_001009944.3 (MANE Select); coding-DNA positions 3401 to 3404, 4 bases deleted (GTGA; older notation c.3401_3404delGTGA).
Protein change: p.Ser1134fs; shifts the reading frame from serine 1134.
Molecular consequence: frameshift variant.
Genome position (GRCh38, 1-based): chr16:2,111,763-2,111,766, TCAC deleted on the plus strand (GTGA on the coding strand, the reverse complement: PKD1 is on the minus strand); deleting any 4 consecutive bases within chr16:2,111,763-2,111,770 gives the same sequence; the c. name uses the placement nearest the transcript's 3' end. VCF-style (leftmost placement, unchanged base first): chr16-2111762-GTCAC-G. GRCh37 (hg19) VCF-style: chr16-2161763-GTCAC-G.
Other names: c.3401_3404del, p.Ser1134fs (NM_000296.4); c.3401_3404del (NM_001009944.2); c.3401_3404delGTGA (NM_001009944.3); short protein forms S1134fs.
Identifiers: ClinVar variation 562284 (VCV000562284.6), dbSNP rs1567204146, ClinGen allele CA658823803.

ClinVar aggregate classification (germline): Pathogenic/Likely pathogenic. Review status: criteria provided, multiple submitters, no conflicts (2 of 4 stars). 5 submissions from 5 submitters: Pathogenic (3); Likely pathogenic (1). 1 of the submissions does not count toward it. Last evaluated 2025-05-01.

Conditions:
PKD1-related disorder. Also called: PKD1-related condition.
Polycystic kidney disease, adult type (PKD1). Also called: Polycystic Kidney, Autosomal Dominant; Polycystic Kidney Disease 1, Autosomal Dominant; Polycystic kidney disease 1; Polycystic kidney disease 1, severe; POLYCYSTIC KIDNEY DISEASE, ADULT, TYPE I; POLYCYSTIC KIDNEY DISEASE 1 WITH OR WITHOUT POLYCYSTIC LIVER DISEASE. Identifiers: MedGen C3149841, MONDO:0008263, OMIM 173900.

Submissions (5):

Women's Health and Genetics/Laboratory Corporation of America, LabCorp
Classification: Pathogenic for Polycystic kidney disease, adult type. Last evaluated: 2025-05-01. Review status: criteria provided, single submitter. Criteria: LabCorp Variant Classification Summary - May 2015. Collection method: clinical testing. Allele origin: germline.
Comment: Variant summary: PKD1 c.3401_3404delGTGA (p.Ser1134ThrfsX36) results in a premature termination codon, predicted to cause a truncation of the encoded protein or absence of the protein due to nonsense mediated decay, which are commonly known mechanisms for disease. The variant was absent in 232914 control chromosomes. c.3401_3404delGTGA has been observed in at-least one individual affected with Polycystic Kidney Disease 1 (example: Groopman_2019). To our knowledge, no experimental evidence demonstrating an impact on protein function has been reported. The following publication have been ascertained in the context of this evaluation (PMID: 30586318). ClinVar contains an entry for this variant (Variation ID: 562284). Based on the evidence outlined above, the variant was classified as pathogenic.

PreventionGenetics, part of Exact Sciences
Classification: Pathogenic for PKD1-related condition. Last evaluated: 2024-12-19. Review status: criteria provided, single submitter. Criteria: ACMG Guidelines, 2015. Collection method: clinical testing. Allele origin: germline.
Comment: The PKD1 c.3401_3404delGTGA variant is predicted to result in a frameshift and premature protein termination (p.Ser1134Thrfs*36). This variant has been reported to be pathogenic for autosomal dominant polycystic kidney disease (ADPKD) (see for example, Table S7, Groopman et al. 2019. PubMed ID: 30586318). This variant has not been reported in a large population database (gnomAD), indicating this variant is rare. Frameshift variants in PKD1 are expected to be pathogenic. This variant is interpreted as pathogenic.

GeneDx
Classification: Pathogenic. Last evaluated: 2024-04-26. Review status: criteria provided, single submitter. Criteria: GeneDx Variant Classification Process June 2021. Collection method: clinical testing. Allele origin: germline. Affected: yes.
Comment: Frameshift variant predicted to result in protein truncation or nonsense mediated decay in a gene for which loss of function is a known mechanism of disease; Not observed at significant frequency in large population cohorts (gnomAD); This variant is associated with the following publications: (PMID: 30586318)

Institute of Human Genetics, University of Leipzig Medical Center
Classification: Likely pathogenic for Polycystic kidney disease, adult type. Last evaluated: 2017-11-02. Review status: criteria provided, single submitter. Criteria: ACMG Guidelines, 2015. Collection method: clinical testing. Allele origin: germline. Affected: yes. Observed: 1 variant allele.

Gharavi Laboratory, Columbia University
Classification: Likely pathogenic. Last evaluated: 2018-09-16. Review status: no assertion criteria provided. Criteria: ACMG Guidelines, 2015. Collection method: research. Allele origin: germline. Affected: yes. Not counted in ClinVar's aggregate classification.

Literature cited by the submitters: PubMed 30586318 (cited by Women's Health and Genetics/Laboratory Corporation of America, LabCorp).